The following is an entry in ClinVar:

ClinVar aggregate classification (germline): Pathogenic/Likely pathogenic. Review status: criteria provided, multiple submitters, no conflicts (2 of 4 stars). 2 submissions from 2 submitters: Pathogenic (1); Likely pathogenic (1). Last evaluated 2026-01-09.

Conditions:
Bardet-Biedl syndrome (BBS). Identifiers: Orphanet 110, MedGen C0752166, MONDO:0015229.
McKusick-Kaufman syndrome (MKKS). Also called: HYDROMETROCOLPOS SYNDROME; HYDROMETROCOLPOS, POSTAXIAL POLYDACTYLY, AND CONGENITAL HEART MALFORMATION. Identifiers: Orphanet 2473, MedGen C0948368, MONDO:0009367, OMIM 236700.

gnomAD v4.1: 3 of 1,613,550 alleles (0.00019%); highest among the groups gnomAD compares: Non-Finnish European, 0.00025%; no homozygotes.

Submissions (2):

Labcorp Genetics (formerly Invitae), Labcorp
Classification: Pathogenic for McKusick-Kaufman syndrome; Bardet-Biedl syndrome. Last evaluated: 2026-01-09. Review status: criteria provided, single submitter. Criteria: Invitae Variant Classification Sherloc (09022015). Collection method: clinical testing. Allele origin: germline.
Comment: This sequence change creates a premature translational stop signal (p.Gln391*) in the MKKS gene. It is expected to result in an absent or disrupted protein product. Loss-of-function variants in MKKS are known to be pathogenic (PMID: 11179009, 28761321, 30614526). This variant is not present in population databases (gnomAD no frequency). This variant has not been reported in the literature in individuals affected with MKKS-related conditions. ClinVar contains an entry for this variant (Variation ID: 4057102). For these reasons, this variant has been classified as Pathogenic.

GeneDx
Classification: Likely pathogenic. Last evaluated: 2025-01-13. Review status: criteria provided, single submitter. Criteria: GeneDx Variant Classification Process June 2021. Collection method: clinical testing. Allele origin: germline. Affected: yes.
Comment: Nonsense variant predicted to result in protein truncation or nonsense mediated decay in a gene for which loss of function is a known mechanism of disease; Not observed at significant frequency in large population cohorts (gnomAD); Has not been previously published as pathogenic or benign to our knowledge

Literature cited by the submitters: PubMed 11179009 (cited by Labcorp Genetics (formerly Invitae), Labcorp); PubMed 28761321 (cited by Labcorp Genetics (formerly Invitae), Labcorp); PubMed 30614526 (cited by Labcorp Genetics (formerly Invitae), Labcorp).

NM_170784.3(MKKS):c.1171C>T (p.Gln391Ter)

Gene: MKKS (MKKS centrosomal shuttling protein; minus strand). Cytogenetic location: 20p12.2.
Variant type: single nucleotide variant.
Coding change: c.1171C>T on transcript NM_170784.3 (MANE Select); coding-DNA position 1171, C replaced by T.
Protein change: p.Gln391Ter; replaces glutamine 391 with a stop codon.
Molecular consequence: nonsense. On other transcripts: non-coding transcript variant (1).
Genome position (GRCh38, 1-based): chr20:10,407,717, G>A on the plus strand (C>T on the coding strand, the complement: MKKS is on the minus strand). VCF-style: chr20-10407717-G-A. GRCh37 (hg19) VCF-style: chr20-10388365-G-A.
Other names: c.1171C>T, p.Gln391Ter (NM_018848.3); short protein forms Q391*.
Identifiers: ClinVar variation 4057102 (VCV004057102.2).
Genomic context (GRCh38, chr20:10,407,717, plus strand): 5'-CACCTCCCAACAAAGCCCATGGTTCCTTGAGTGTTAACTGCAGGACATGCAGTGCCGTCT[G>A]ACACGTGAGCTAAGAAAAAACCCAAATCATCAGAATCAGACGTTCACATCATATTAACAC-3'